The following is an entry in ClinVar:

NC_000007.13:g.(?_33136085)_(33192483_?)del

Genes: BBS9 (Bardet-Biedl syndrome 9; plus strand), RP9 (RP9 pre-mRNA splicing factor; minus strand). Cytogenetic location: 7p14.3.
Variant type: Deletion.
Identifiers: ClinVar variation 1459407 (VCV001459407.4).

ClinVar aggregate classification (germline): Pathogenic (1 of 4 stars; one submission).

Conditions:
Bardet-Biedl syndrome (BBS). Identifiers: Orphanet 110, MedGen C0752166, MONDO:0015229.

Submission:

Labcorp Genetics (formerly Invitae), Labcorp
Classification: Pathogenic for Bardet-Biedl syndrome. Last evaluated: 2021-07-05. Review status: criteria provided, single submitter. Criteria: Invitae Variant Classification Sherloc (09022015). Collection method: clinical testing. Allele origin: germline.
Comment: For these reasons, this variant has been classified as Pathogenic. This variant has not been reported in the literature in individuals affected with BBS9-related conditions. This variant is a gross deletion of the genomic region encompassing exon(s) 2-3 of the BBS9 gene, which includes the initiator codon. The 5' end of this event is unknown as it extends beyond the assayed region for this gene and therefore may encompass additional genes. The 3' boundary is likely confined to intron 3 or 4 of the BBS9 gene. It is expected to result in an absent or disrupted protein product. Loss-of-function variants in BBS9 are known to be pathogenic (PMID: 16380913, 20177705).

Literature cited by the submitters: PubMed 16380913; PubMed 20177705.